The following is an entry in ClinVar:

ClinVar aggregate classification (germline): Uncertain significance (1 of 4 stars; one submission).

Conditions:
LAMA2-related muscular dystrophy (LAMA2-RD). Also called: Laminin alpha 2-related dystrophy. Identifiers: MedGen C5679788, MONDO:0100228.

Submission:

Labcorp Genetics (formerly Invitae), Labcorp
Classification: Uncertain significance for LAMA2-related muscular dystrophy. Last evaluated: 2023-07-12. Review status: criteria provided, single submitter. Criteria: Invitae Variant Classification Sherloc (09022015). Collection method: clinical testing. Allele origin: germline.
Comment: This sequence change replaces phenylalanine, which is neutral and non-polar, with serine, which is neutral and polar, at codon 1758 of the LAMA2 protein (p.Phe1758Ser). This variant is not present in population databases (gnomAD no frequency). This variant has not been reported in the literature in individuals affected with LAMA2-related conditions. Advanced modeling of protein sequence and biophysical properties (such as structural, functional, and spatial information, amino acid conservation, physicochemical variation, residue mobility, and thermodynamic stability) performed at Invitae indicates that this missense variant is not expected to disrupt LAMA2 protein function. In summary, the available evidence is currently insufficient to determine the role of this variant in disease. Therefore, it has been classified as a Variant of Uncertain Significance.

NM_000426.4(LAMA2):c.5273T>C (p.Phe1758Ser)

Gene: LAMA2 (laminin subunit alpha 2; plus strand). Cytogenetic location: 6q22.33.
Variant type: single nucleotide variant.
Coding change: c.5273T>C on transcript NM_000426.4 (MANE Select); coding-DNA position 5273, T replaced by C.
Protein change: p.Phe1758Ser; replaces phenylalanine 1758 with serine.
Molecular consequence: missense variant.
Genome position (GRCh38, 1-based): chr6:129,393,083, T>C. VCF-style: chr6-129393083-T-C. GRCh37 (hg19) VCF-style: chr6-129714228-T-C.
Other names: c.5273T>C, p.Phe1758Ser (NM_001079823.2); short protein forms F1758S.
Identifiers: ClinVar variation 2741802 (VCV002741802.3), dbSNP rs2482736611, ClinGen allele CA365614639.